The following is an entry in ClinVar:

ClinVar aggregate classification (germline): Uncertain significance. Review status: criteria provided, multiple submitters, no conflicts (2 of 4 stars). 2 submissions from 2 submitters: Uncertain significance (2). Last evaluated 2025-05-05.

Conditions:
Cardiovascular phenotype. Identifiers: MedGen CN230736.

gnomAD v4.1: 1 of 1,613,668 alleles (0.000062%); no homozygotes.

Submissions (2):

Ambry Genetics
Classification: Uncertain significance for Cardiovascular phenotype. Last evaluated: 2025-05-05. Review status: criteria provided, single submitter. Criteria: Ambry Variant Classification Scheme 2023. Collection method: clinical testing. Allele origin: germline.
Comment: The p.R733G variant (also known as c.2197C>G), located in coding exon 5 of the ALPK3 gene, results from a C to G substitution at nucleotide position 2197. The arginine at codon 733 is replaced by glycine, an amino acid with dissimilar properties. This amino acid position is conserved. In addition, the in silico prediction for this alteration is inconclusive. Based on the available evidence, the clinical significance of this variant remains unclear.

Labcorp Genetics (formerly Invitae), Labcorp
Classification: Uncertain significance. Last evaluated: 2022-12-21. Review status: criteria provided, single submitter. Criteria: Invitae Variant Classification Sherloc (09022015). Collection method: clinical testing. Allele origin: germline.
Comment: This sequence change replaces arginine, which is basic and polar, with glycine, which is neutral and non-polar, at codon 733 of the ALPK3 protein (p.Arg733Gly). This variant is not present in population databases (gnomAD no frequency). In summary, the available evidence is currently insufficient to determine the role of this variant in disease. Therefore, it has been classified as a Variant of Uncertain Significance. This variant has not been reported in the literature in individuals affected with ALPK3-related conditions. Algorithms developed to predict the effect of missense changes on protein structure and function are either unavailable or do not agree on the potential impact of this missense change (SIFT: "Tolerated"; PolyPhen-2: "Possibly Damaging"; Align-GVGD: "Class C0").

NM_020778.5(ALPK3):c.1591C>G (p.Arg531Gly)

Genes: ALPK3 (alpha kinase 3; plus strand), LOC111718493 (skeletal muscle cis-regulatory module overlapping ALPK3; plus strand). Cytogenetic location: 15q25.3.
Variant type: single nucleotide variant.
Coding change: c.1591C>G on transcript NM_020778.5 (MANE Select); coding-DNA position 1591, C replaced by G.
Protein change: p.Arg531Gly; replaces arginine 531 with glycine.
Molecular consequence: missense variant.
Genome position (GRCh38, 1-based): chr15:84,840,870, C>G. VCF-style: chr15-84840870-C-G. GRCh37 (hg19) VCF-style: chr15-85384101-C-G.
Other names: c.2197C>G (NM_020778.4); short protein forms R531G.
Identifiers: ClinVar variation 2791717 (VCV002791717.5), dbSNP rs747180813, ClinGen allele CA273666710.